The following is an entry in ClinVar:

NM_000384.3(APOB):c.3696+1G>A

Gene: APOB (apolipoprotein B; minus strand). Cytogenetic location: 2p24.1.
Variant type: single nucleotide variant.
Coding change: c.3696+1G>A on transcript NM_000384.3 (MANE Select); the canonical splice donor site of the intron after coding-DNA position 3696, G replaced by A.
Molecular consequence: splice donor variant.
Genome position (GRCh38, 1-based): chr2:21,015,072, C>T on the plus strand (G>A on the coding strand, the complement: APOB is on the minus strand). VCF-style: chr2-21015072-C-T. GRCh37 (hg19) VCF-style: chr2-21237944-C-T.
Identifiers: ClinVar variation 3755950 (VCV003755950.2).
Genomic context (GRCh38, chr2:21,015,072, plus strand): 5'-AGTTGAGGATGTAATTAGCACTTATATCCATGTATTTATTGACTGGCAGACTCATACTTA[C>T]AACTATTAATTTGGAACCCACGTGCCGGAAAGTCATGTCTGTTTGAGGGACTCTGTGATC-3'

ClinVar aggregate classification (germline): Pathogenic (1 of 4 stars; one submission).

Conditions:
Familial hypobetalipoproteinemia 1. Also called: APOB-Related Familial Hypobetalipoproteinemia; Hypobetalipoproteinemia, normotriglyceridemic; Acanthocytosis with hypobetalipoproteinemia. Identifiers: MedGen C4551990, MONDO:0014252, OMIM 615558.
Hypercholesterolemia, autosomal dominant, type B (FHCL2). Also called: Familial Hypercholesterolemia Type B; APOLIPOPROTEIN B-100, FAMILIAL DEFECTIVE; APOLIPOPROTEIN B-100, FAMILIAL LIGAND-DEFECTIVE; HYPERCHOLESTEROLEMIA, FAMILIAL, DUE TO LIGAND-DEFECTIVE APOLIPOPROTEIN B; Hyperlipoproteinemia Type IIb; Familial hypercholesterolemia 2. Identifiers: MedGen C1704417, MONDO:0007751, OMIM 144010.

Submission:

Labcorp Genetics (formerly Invitae), Labcorp
Classification: Pathogenic for Familial hypobetalipoproteinemia 1; Hypercholesterolemia, autosomal dominant, type B. Last evaluated: 2024-03-24. Review status: criteria provided, single submitter. Criteria: Invitae Variant Classification Sherloc (09022015). Collection method: clinical testing. Allele origin: germline.
Comment: This sequence change affects a donor splice site in intron 23 of the APOB gene. It is expected to disrupt RNA splicing. Variants that disrupt the donor or acceptor splice site typically lead to a loss of protein function (PMID: 16199547), and loss-of-function variants in APOB are known to be pathogenic (PMID: 20032471). This variant is not present in population databases (gnomAD no frequency). Disruption of this splice site has been observed in individual(s) with clinical features of hypobetalipoproteinemia (PMID: 25618028). In at least one individual the data is consistent with being in trans (on the opposite chromosome) from a pathogenic variant. Studies have shown that disruption of this splice site alters mRNA splicing and is expected to lead to the loss of protein expression (PMID: 25618028). For these reasons, this variant has been classified as Pathogenic.

Literature cited by the submitters: PubMed 16199547; PubMed 20032471; PubMed 25618028.